The following is an entry in ClinVar:

NM_003072.5(SMARCA4):c.441C>T (p.Ser147=)

Gene: SMARCA4 (SWI/SNF related BAF chromatin remodeling complex subunit ATPase 4; plus strand). Cytogenetic location: 19p13.2.
Variant type: single nucleotide variant.
Coding change: c.441C>T on transcript NM_003072.5 (MANE Select); coding-DNA position 441, C replaced by T.
Protein change: p.Ser147=; no amino-acid change (serine 147 retained).
Molecular consequence: synonymous variant. On other transcripts: non-coding transcript variant (1).
Genome position (GRCh38, 1-based): chr19:10,986,274, C>T. VCF-style: chr19-10986274-C-T. GRCh37 (hg19) VCF-style: chr19-11096950-C-T.
Other names: p.Ser147=; c.441C>T (NM_001128849.2); c.441C>T, p.Ser147= (NM_001128845.2, NM_001128846.2, NM_001128847.4 and 5 more transcripts).
Identifiers: ClinVar variation 415069 (VCV000415069.26), dbSNP rs201372858, ClinGen allele CA9203508.

ClinVar aggregate classification (germline): Benign/Likely benign. Review status: criteria provided, multiple submitters, no conflicts (2 of 4 stars). 10 submissions from 10 submitters: Benign (5); Likely benign (5). Last evaluated 2026-07-08.

Conditions:
Rhabdoid tumor predisposition syndrome 2 (RTPS2). Identifiers: Orphanet 231108, Orphanet 69077, MedGen C2750074, MONDO:0013224, OMIM 613325.
Hereditary cancer-predisposing syndrome. Also called: Hereditary Cancer Syndrome; Hereditary neoplastic syndrome; Neoplastic Syndromes, Hereditary; Tumor predisposition. Identifiers: Orphanet 140162, MedGen C0027672, MeSH D009386, MONDO:0015356.
Intellectual disability, autosomal dominant 16 (CSS4). Also called: COFFIN-SIRIS SYNDROME 4. Identifiers: Orphanet 1465, MedGen C3553249, MONDO:0013821, OMIM 614609.

Allele frequency attached by ClinVar (database versions not stated): ExAC 0.00093; gnomAD exomes 0.00020 and 0.00092; TOPMed 0.00040; gnomAD 0.00016 and 0.00019; 1000 Genomes Project 30x 0.00094; 1000 Genomes Project 0.00080.

Submissions (10):

Myriad Genetics, Inc.
Classification: Benign for Rhabdoid tumor predisposition syndrome 2. Last evaluated: 2026-07-08. Review status: criteria provided, single submitter. Criteria: Myriad Autosomal Dominant, Autosomal Recessive and X-Linked Classification Criteria (2023). Collection method: clinical testing. Allele origin: unknown.
Comment: This variant is considered benign. This variant is a silent/synonymous amino acid change and it is not expected to impact splicing.

CeGaT Center for Human Genetics Tuebingen
Classification: Likely benign. Last evaluated: 2026-07-01. Review status: criteria provided, single submitter. Criteria: CeGaT Center For Human Genetics Tuebingen Variant Classification Criteria Version 2. Collection method: clinical testing. Allele origin: germline. Affected: yes. Observed: 2 variant alleles.
Comment: SMARCA4: BP4, BP7, BS1

Labcorp Genetics (formerly Invitae), Labcorp
Classification: Benign for Rhabdoid tumor predisposition syndrome 2. Last evaluated: 2026-01-31. Review status: criteria provided, single submitter. Criteria: Invitae Variant Classification Sherloc (09022015). Collection method: clinical testing. Allele origin: germline.

Mayo Clinic Laboratories, Mayo Clinic
Classification: Likely benign. Last evaluated: 2025-10-09. Review status: criteria provided, single submitter. Criteria: ACMG Guidelines, 2015. Collection method: clinical testing. Allele origin: germline. Observed: 1 variant allele.
Comment: BS1, BP4, BP7

Genome-Nilou Lab
Classification: Benign for Intellectual disability, autosomal dominant 16. Last evaluated: 2021-07-15. Review status: criteria provided, single submitter. Criteria: ACMG Guidelines, 2015. Collection method: clinical testing. Allele origin: germline. Affected: no.

Genetic Services Laboratory, University of Chicago
Classification: Benign. Last evaluated: 2021-06-09. Review status: criteria provided, single submitter. Criteria: ACMG Guidelines, 2015. Collection method: clinical testing. Allele origin: germline. Affected: no.

Sema4
Classification: Benign for Hereditary cancer-predisposing syndrome. Last evaluated: 2021-05-10. Review status: criteria provided, single submitter. Criteria: Sema4 Curation Guidelines. Collection method: curation. Allele origin: germline.

GeneDx
Classification: Likely benign. Last evaluated: 2021-01-07. Review status: criteria provided, single submitter. Criteria: GeneDx Variant Classification Process June 2021. Collection method: clinical testing. Allele origin: germline. Affected: yes.

Ambry Genetics
Classification: Likely benign for Hereditary cancer-predisposing syndrome. Last evaluated: 2015-08-31. Review status: criteria provided, single submitter. Criteria: Ambry Variant Classification Scheme 2023. Collection method: clinical testing. Allele origin: germline.

Breakthrough Genomics
Classification: Likely benign. Review status: criteria provided, single submitter. Criteria: ACMG Guidelines, 2015. Collection method: not provided. Allele origin: germline. Inheritance: Autosomal dominant inheritance. Affected: yes.